The following is an entry in ClinVar:

NM_138691.3(TMC1):c.1695+2T>G

Gene: TMC1 (transmembrane channel like 1; plus strand). Cytogenetic location: 9q21.13.
Variant type: single nucleotide variant.
Coding change: c.1695+2T>G on transcript NM_138691.3 (MANE Select); the canonical splice donor site of the intron after coding-DNA position 1695, T replaced by G.
Molecular consequence: splice donor variant.
Genome position (GRCh38, 1-based): chr9:72,805,512, T>G. VCF-style: chr9-72805512-T-G. GRCh37 (hg19) VCF-style: chr9-75420428-T-G.
Identifiers: ClinVar variation 2842167 (VCV002842167.3), dbSNP rs2489958331, ClinGen allele CA373667793.

ClinVar aggregate classification (germline): Likely pathogenic (1 of 4 stars; one submission).

Submission:

Labcorp Genetics (formerly Invitae), Labcorp
Classification: Likely pathogenic. Last evaluated: 2023-03-09. Review status: criteria provided, single submitter. Criteria: Invitae Variant Classification Sherloc (09022015). Collection method: clinical testing. Allele origin: germline.
Comment: This sequence change affects a donor splice site in intron 18 of the TMC1 gene. It is expected to disrupt RNA splicing. Variants that disrupt the donor or acceptor splice site typically lead to a loss of protein function (PMID: 16199547), and loss-of-function variants in TMC1 are known to be pathogenic (PMID: 11850618, 22105175). This variant is not present in population databases (gnomAD no frequency). This variant has not been reported in the literature in individuals affected with TMC1-related conditions. Algorithms developed to predict the effect of sequence changes on RNA splicing suggest that this variant may disrupt the consensus splice site. In summary, the currently available evidence indicates that the variant is pathogenic, but additional data are needed to prove that conclusively. Therefore, this variant has been classified as Likely Pathogenic.

Literature cited by the submitters: PubMed 16199547; PubMed 11850618; PubMed 22105175.